The following is an entry in ClinVar:

ClinVar aggregate classification (germline): Uncertain significance (1 of 4 stars; one submission).

Conditions:
Werner syndrome (WRN). Identifiers: Orphanet 902, MedGen C0043119, MONDO:0010196, OMIM 277700.

Allele frequency attached by ClinVar (database versions not stated): gnomAD exomes below 0.00001.
gnomAD v4.1: 1 of 1,612,022 alleles (0.000062%); highest among the groups gnomAD compares: Non-Finnish European, 0.000085%; no homozygotes.

Submission:

Labcorp Genetics (formerly Invitae), Labcorp
Classification: Uncertain significance for Werner syndrome. Last evaluated: 2022-05-06. Review status: criteria provided, single submitter. Criteria: Invitae Variant Classification Sherloc (09022015). Collection method: clinical testing. Allele origin: germline.
Comment: This sequence change replaces asparagine, which is neutral and polar, with serine, which is neutral and polar, at codon 432 of the WRN protein (p.Asn432Ser). This variant is not present in population databases (gnomAD no frequency). This variant has not been reported in the literature in individuals affected with WRN-related conditions. Algorithms developed to predict the effect of missense changes on protein structure and function are either unavailable or do not agree on the potential impact of this missense change (SIFT: "Not Available"; PolyPhen-2: "Benign"; Align-GVGD: "Not Available"). In summary, the available evidence is currently insufficient to determine the role of this variant in disease. Therefore, it has been classified as a Variant of Uncertain Significance.

NM_000553.6(WRN):c.1295A>G (p.Asn432Ser)

Gene: WRN (WRN RecQ like helicase; plus strand). Cytogenetic location: 8p12.
Variant type: single nucleotide variant.
Coding change: c.1295A>G on transcript NM_000553.6 (MANE Select); coding-DNA position 1295, A replaced by G.
Protein change: p.Asn432Ser; replaces asparagine 432 with serine.
Molecular consequence: missense variant.
Genome position (GRCh38, 1-based): chr8:31,083,724, A>G. VCF-style: chr8-31083724-A-G. GRCh37 (hg19) VCF-style: chr8-30941240-A-G.
Other names: short protein forms N432S.
Identifiers: ClinVar variation 1490951 (VCV001490951.3), dbSNP rs2130133251, ClinGen allele CA370922538.